The following is an entry in ClinVar:

ClinVar aggregate classification (germline): Likely benign (0 of 4 stars; one submission).

Conditions:
RTTN-related disorder. Also called: RTTN-related condition.

Submission:

PreventionGenetics, part of Exact Sciences
Classification: Likely benign for RTTN-related condition. Last evaluated: 2024-08-27. Review status: no assertion criteria provided. Collection method: clinical testing. Allele origin: germline.
Comment: This variant is classified as likely benign based on ACMG/AMP sequence variant interpretation guidelines (Richards et al. 2015 PMID: 25741868, with internal and published modifications).

NM_173630.4(RTTN):c.3516A>G (p.Leu1172=)

Gene: RTTN (rotatin; minus strand). Cytogenetic location: 18q22.2.
Variant type: single nucleotide variant.
Coding change: c.3516A>G on transcript NM_173630.4 (MANE Select); coding-DNA position 3516, A replaced by G.
Protein change: p.Leu1172=; no amino-acid change (leucine 1172 retained).
Molecular consequence: synonymous variant.
Genome position (GRCh38, 1-based): chr18:70,121,568, T>C on the plus strand (A>G on the coding strand, the complement: RTTN is on the minus strand). VCF-style: chr18-70121568-T-C. GRCh37 (hg19) VCF-style: chr18-67788804-T-C.
Other names: c.780A>G, p.Leu260= (NM_001318520.2).
Identifiers: ClinVar variation 3347767 (VCV003347767.1).
Genomic context (GRCh38, chr18:70,121,568, plus strand): 5'-ATAAGTTATTTCCCAAACTTAAAATCCAAATTCCTTAACACCACTTACATGTCTAAGAAG[T>C]AATTCGAGAATCCAGTTTAGAAGTTCTAGTGAAGAATTTTTTCTTTGTTCCTTTATTAAT-3'
Protein context (NP_775901.3, residues 1162-1182): SLELLNWILE[Leu1172=]LLRHSANPLL